The following is an entry in ClinVar:

NM_001385641.1(SAMD11):c.1442T>A (p.Leu481Gln)

Gene: SAMD11 (sterile alpha motif domain containing 11; plus strand). Cytogenetic location: 1p36.33.
Variant type: single nucleotide variant.
Coding change: c.1442T>A on transcript NM_001385641.1 (MANE Select); coding-DNA position 1442, T replaced by A.
Protein change: p.Leu481Gln; replaces leucine 481 with glutamine.
Molecular consequence: missense variant.
Genome position (GRCh38, 1-based): chr1:942,219, T>A. VCF-style: chr1-942219-T-A. GRCh37 (hg19) VCF-style: chr1-877599-T-A.
Other names: c.1445T>A, p.Leu482Gln (NM_001385640.1); c.953T>A, p.Leu318Gln (NM_152486.4); short protein forms L482Q, L318Q, L481Q.
Identifiers: ClinVar variation 1393792 (VCV001393792.6), dbSNP rs1009501277, ClinGen allele CA16724057.
Genomic context (GRCh38, chr1:942,219, plus strand): 5'-TGCTGTCGCCGCAGAATGCCCCTCACGTCGCCCTGGGCCCCCATCTCAGGCCCCCCTTCC[T>A]GGGGGTGCCCTCGGCTCTGTGCCAGACCCCAGGTGAGGAGGCGGGTGCGCATCCCCTGGG-3'
Protein context (NP_001372570.1, residues 471-491): ALGPHLRPPF[Leu481Gln]GVPSALCQTP

ClinVar aggregate classification (germline): Uncertain significance (1 of 4 stars; one submission).

Allele frequency attached by ClinVar (database versions not stated): gnomAD 0.00001; TOPMed 0.00001.
gnomAD v4.1: 2 of 1,358,396 alleles (0.00015%); highest among the groups gnomAD compares: Non-Finnish European, 0.00019%; no homozygotes.

Submission:

Labcorp Genetics (formerly Invitae), Labcorp
Classification: Uncertain significance. Last evaluated: 2021-11-17. Review status: criteria provided, single submitter. Criteria: Invitae Variant Classification Sherloc (09022015). Collection method: clinical testing. Allele origin: germline.
Comment: This sequence change replaces leucine, which is neutral and non-polar, with glutamine, which is neutral and polar, at codon 318 of the SAMD11 protein (p.Leu318Gln). In summary, the available evidence is currently insufficient to determine the role of this variant in disease. Therefore, it has been classified as a Variant of Uncertain Significance. Algorithms developed to predict the effect of sequence changes on RNA splicing suggest that this variant may create or strengthen a splice site. Algorithms developed to predict the effect of missense changes on protein structure and function are either unavailable or do not agree on the potential impact of this missense change (SIFT: "Deleterious"; PolyPhen-2: "Probably Damaging"; Align-GVGD: "Class C0"). This variant has not been reported in the literature in individuals affected with SAMD11-related conditions. This variant is not present in population databases (gnomAD no frequency).